The following is an entry in ClinVar:

NM_000138.5(FBN1):c.3755G>T (p.Gly1252Val)

Gene: FBN1 (fibrillin 1; minus strand). Cytogenetic location: 15q21.1.
Variant type: single nucleotide variant.
Coding change: c.3755G>T on transcript NM_000138.5 (MANE Select); coding-DNA position 3755, G replaced by T.
Protein change: p.Gly1252Val; replaces glycine 1252 with valine.
Molecular consequence: missense variant.
Genome position (GRCh38, 1-based): chr15:48,483,901, C>A on the plus strand (G>T on the coding strand, the complement: FBN1 is on the minus strand). VCF-style: chr15-48483901-C-A. GRCh37 (hg19) VCF-style: chr15-48776098-C-A.
Other names: c.3755G>T, p.Gly1252Val (NM_001406716.1); short protein forms G1252V.
Identifiers: ClinVar variation 3277943 (VCV003277943.2).

ClinVar aggregate classification (germline): Uncertain significance. Review status: criteria provided, multiple submitters, no conflicts (2 of 4 stars). 2 submissions from 2 submitters: Uncertain significance (2). Last evaluated 2026-01-29.

Conditions:
Marfan syndrome (MFS). Also called: MARFAN SYNDROME, TYPE I; Marfan syndrome type 1; Marfan's syndrome; Marfan syndrome, classic; FBN1-Related Marfan Syndrome. Identifiers: Orphanet 284963, Orphanet 558, MedGen C0024796, MONDO:0007947, OMIM 154700.
Familial thoracic aortic aneurysm and aortic dissection (TAAD). Also called: Thoracic aortic aneurysms and dissections. Identifiers: Orphanet 91387, MedGen C4707243, MONDO:0019625.

Submissions (2):

Labcorp Genetics (formerly Invitae), Labcorp
Classification: Uncertain significance for Marfan syndrome; Familial thoracic aortic aneurysm and aortic dissection. Last evaluated: 2026-01-29. Review status: criteria provided, single submitter. Criteria: Invitae Variant Classification Sherloc (09022015). Collection method: clinical testing. Allele origin: germline.
Comment: This sequence change replaces glycine, which is neutral and non-polar, with valine, which is neutral and non-polar, at codon 1252 of the FBN1 protein (p.Gly1252Val). This variant is not present in population databases (gnomAD no frequency). This variant has not been reported in the literature in individuals affected with FBN1-related conditions. ClinVar contains an entry for this variant (Variation ID: 3277943). Invitae Evidence Modeling of protein sequence and biophysical properties (such as structural, functional, and spatial information, amino acid conservation, physicochemical variation, residue mobility, and thermodynamic stability) indicates that this missense variant is expected to disrupt FBN1 protein function with a positive predictive value of 95%. In summary, the available evidence is currently insufficient to determine the role of this variant in disease. Therefore, it has been classified as a Variant of Uncertain Significance.

Ambry Genetics
Classification: Uncertain significance for Familial thoracic aortic aneurysm and aortic dissection. Last evaluated: 2024-03-28. Review status: criteria provided, single submitter. Criteria: Ambry Variant Classification Scheme 2023. Collection method: clinical testing. Allele origin: germline.
Comment: The p.G1252V variant (also known as c.3755G>T), located in coding exon 30 of the FBN1 gene, results from a G to T substitution at nucleotide position 3755. The glycine at codon 1252 is replaced by valine, an amino acid with dissimilar properties. This variant alters a critical glycine in a sterically constrained region and is expected to disrupt FBN1 function (Van Kien PK et al. Hum Mutat. 2010;31(1):E1021-42). This amino acid position is highly conserved in available vertebrate species. In addition, this alteration is predicted to be deleterious by in silico analysis. Based on the available evidence, the clinical significance of this alteration remains unclear.